The following is an entry in ClinVar:

ClinVar aggregate classification (germline): Conflicting classifications of pathogenicity. Review status: criteria provided, conflicting classifications (1 of 4 stars). 8 submissions from 8 submitters: Uncertain significance (1); Likely benign (6). 1 of the submissions does not count toward it. Last evaluated 2026-03-27.

Conditions:
Familial thoracic aortic aneurysm and aortic dissection (TAAD). Also called: Thoracic aortic aneurysms and dissections. Identifiers: Orphanet 91387, MedGen C4707243, MONDO:0019625.
Classic homocystinuria. Also called: Homocystinuria due to Cystathionine Beta-Synthase Deficiency; Homocystinuria due to CBS deficiency; Cystathionine beta-synthase deficiency; CBS deficiency; HOMOCYSTINURIA WITH OR WITHOUT RESPONSE TO PYRIDOXINE. Identifiers: Orphanet 394, MedGen C0751202, MONDO:0009352, OMIM 236200.
HYPERHOMOCYSTEINEMIA, THROMBOTIC, CBS-RELATED. Identifiers: MedGen C3150344, OMIM 236200.

Allele frequency attached by ClinVar (database versions not stated): ExAC 0.00003; gnomAD 0.00006; gnomAD exomes 0.00006; ESP Exome Variant Server 0.00008.

Submissions (8):

Women's Health and Genetics/Laboratory Corporation of America, LabCorp
Classification: Likely benign. Last evaluated: 2026-03-27. Review status: criteria provided, single submitter. Criteria: LabCorp Variant Classification Summary - May 2015. Collection method: clinical testing. Allele origin: germline.

Labcorp Genetics (formerly Invitae), Labcorp
Classification: Likely benign for HYPERHOMOCYSTEINEMIA, THROMBOTIC, CBS-RELATED. Last evaluated: 2026-01-25. Review status: criteria provided, single submitter. Criteria: Invitae Variant Classification Sherloc (09022015). Collection method: clinical testing. Allele origin: germline.

CeGaT Center for Human Genetics Tuebingen
Classification: Likely benign. Last evaluated: 2024-02-01. Review status: criteria provided, single submitter. Criteria: CeGaT Center For Human Genetics Tuebingen Variant Classification Criteria Version 2. Collection method: clinical testing. Allele origin: germline. Affected: yes. Observed: 2 variant alleles.
Comment: CBS: BP4, BP7

Blueprint Genetics
Classification: Likely benign. Last evaluated: 2023-12-21. Review status: criteria provided, single submitter. Criteria: ACMG Guidelines, 2015. Collection method: clinical testing. Allele origin: germline.

GeneDx
Classification: Likely benign. Last evaluated: 2020-11-25. Review status: criteria provided, single submitter. Criteria: GeneDx Variant Classification Process June 2021. Collection method: clinical testing. Allele origin: germline. Affected: yes.

Illumina Laboratory Services, Illumina
Classification: Uncertain significance for Classic homocystinuria. Last evaluated: 2018-01-12. Review status: criteria provided, single submitter. Criteria: ICSL Variant Classification Criteria 13 December 2019. Collection method: clinical testing. Allele origin: germline.

Ambry Genetics
Classification: Likely benign for Familial thoracic aortic aneurysm and aortic dissection. Last evaluated: 2015-01-19. Review status: criteria provided, single submitter. Criteria: Ambry Variant Classification Scheme 2023. Collection method: clinical testing. Allele origin: germline.

Natera, Inc.
Classification: Uncertain significance for Homocystinuria due to cystathionine beta-synthase deficiency. Last evaluated: 2020-01-24. Review status: no assertion criteria provided. Collection method: clinical testing. Allele origin: germline. Not counted in ClinVar's aggregate classification.

NM_000071.3(CBS):c.1161C>T (p.Ser387=)

Gene: CBS (cystathionine beta-synthase; minus strand). Cytogenetic location: 21q22.3.
Variant type: single nucleotide variant.
Coding change: c.1161C>T on transcript NM_000071.3 (MANE Select); coding-DNA position 1161, C replaced by T.
Protein change: p.Ser387=; no amino-acid change (serine 387 retained).
Molecular consequence: synonymous variant.
Genome position (GRCh38, 1-based): chr21:43,059,288, G>A on the plus strand (C>T on the coding strand, the complement: CBS is on the minus strand). VCF-style: chr21-43059288-G-A. GRCh37 (hg19) VCF-style: chr21-44479398-G-A.
Other names: c.1161C>T, p.Ser387= (NM_001178008.3, NM_001178009.3, NM_001320298.2); c.846C>T, p.Ser282= (NM_001321072.1).
Identifiers: ClinVar variation 263900 (VCV000263900.49), dbSNP rs149280976, ClinGen allele CA10587939.